The following is an entry in ClinVar:

ClinVar aggregate classification (germline): Uncertain significance. Review status: criteria provided, multiple submitters, no conflicts (2 of 4 stars). 2 submissions from 2 submitters: Uncertain significance (2). Last evaluated 2025-09-17.

Conditions:
Inborn genetic diseases. Identifiers: MedGen C0950123, MeSH D030342.
Short-rib thoracic dysplasia 8 with or without polydactyly (SRTD8). Also called: SHORT-RIB THORACIC DYSPLASIA 8 WITH POLYDACTYLY. Identifiers: Orphanet 93271, MedGen C3809691, MONDO:0014214, OMIM 615503.

Allele frequency attached by ClinVar (database versions not stated): TOPMed 0.00001.
gnomAD v4.1: 14 of 1,539,978 alleles (0.00091%); highest among the groups gnomAD compares: African/African-American, 0.0028%; no homozygotes.

Submissions (2):

Labcorp Genetics (formerly Invitae), Labcorp
Classification: Uncertain significance for Short-rib thoracic dysplasia 8 with or without polydactyly. Last evaluated: 2025-09-17. Review status: criteria provided, single submitter. Criteria: Invitae Variant Classification Sherloc (09022015). Collection method: clinical testing. Allele origin: germline.
Comment: This sequence change replaces alanine, which is neutral and non-polar, with valine, which is neutral and non-polar, at codon 157 of the WDR60 protein (p.Ala157Val). The frequency data for this variant in the population databases is considered unreliable, as metrics indicate poor data quality at this position in the gnomAD database. This variant has not been reported in the literature in individuals affected with WDR60-related conditions. ClinVar contains an entry for this variant (Variation ID: 2161801). An algorithm developed to predict the effect of missense changes on protein structure and function outputs the following: PolyPhen-2: "Benign". The valine amino acid residue is found in multiple mammalian species, which suggests that this missense change does not adversely affect protein function. In summary, the available evidence is currently insufficient to determine the role of this variant in disease. Therefore, it has been classified as a Variant of Uncertain Significance.

Ambry Genetics
Classification: Uncertain significance for Inborn genetic diseases. Last evaluated: 2025-03-30. Review status: criteria provided, single submitter. Criteria: Ambry Variant Classification Scheme 2023. Collection method: clinical testing. Allele origin: germline.

NM_018051.5(DYNC2I1):c.470C>T (p.Ala157Val)

Gene: DYNC2I1 (dynein 2 intermediate chain 1; plus strand). Cytogenetic location: 7q36.3.
Variant type: single nucleotide variant.
Coding change: c.470C>T on transcript NM_018051.5 (MANE Select); coding-DNA position 470, C replaced by T.
Protein change: p.Ala157Val; replaces alanine 157 with valine.
Molecular consequence: missense variant. On other transcripts: 5 prime UTR variant (4).
Genome position (GRCh38, 1-based): chr7:158,871,542, C>T. VCF-style: chr7-158871542-C-T. GRCh37 (hg19) VCF-style: chr7-158664233-C-T.
Other names: c.332C>T, p.Ala111Val (NM_001350914.2); c.-48C>T (NM_001350915.2); c.-889C>T (NM_001350916.2); c.-897C>T (NM_001350917.2); c.-1016C>T (NM_001350918.2); c.470C>T (NM_018051.4); short protein forms A157V, A111V.
Identifiers: ClinVar variation 2161801 (VCV002161801.4), dbSNP rs941022143, ClinGen allele CA170044986.